The following is an entry in ClinVar:

NM_001079520.2(DACT1):c.2244C>T (p.Ser748=)

Gene: DACT1 (dishevelled binding antagonist of beta catenin 1; plus strand). Cytogenetic location: 14q23.1.
Variant type: single nucleotide variant.
Coding change: c.2244C>T on transcript NM_001079520.2 (MANE Select); coding-DNA position 2244, C replaced by T.
Protein change: p.Ser748=; no amino-acid change (serine 748 retained).
Molecular consequence: synonymous variant. On other transcripts: non-coding transcript variant (2).
Genome position (GRCh38, 1-based): chr14:58,646,978, C>T. VCF-style: chr14-58646978-C-T. GRCh37 (hg19) VCF-style: chr14-59113696-C-T.
Other names: c.2355C>T, p.Ser785= (NM_016651.6).
Identifiers: ClinVar variation 722095 (VCV000722095.6), dbSNP rs758072910, ClinGen allele CA7207041.

ClinVar aggregate classification (germline): Likely benign. Review status: criteria provided, single submitter (1 of 4 stars). 2 submissions from 2 submitters: Likely benign (1). 1 of the submissions does not count toward it. Last evaluated 2019-12-31.

Conditions:
DACT1-related disorder. Also called: DACT1-related condition.

Allele frequency attached by ClinVar (database versions not stated): gnomAD 0.00012 and 0.00013; ExAC 0.00006; TOPMed 0.00014; gnomAD exomes 0.00007 and 0.00029.
gnomAD v4.1: 449 of 1,614,056 alleles (0.028%); highest among the groups gnomAD compares: Non-Finnish European, 0.037%; no homozygotes.

Submissions (2):

Labcorp Genetics (formerly Invitae), Labcorp
Classification: Likely benign. Last evaluated: 2019-12-31. Review status: criteria provided, single submitter. Criteria: Invitae Variant Classification Sherloc (09022015). Collection method: clinical testing. Allele origin: germline.

PreventionGenetics, part of Exact Sciences
Classification: Likely benign for DACT1-related condition. Last evaluated: 2019-04-24. Review status: no assertion criteria provided. Collection method: clinical testing. Allele origin: germline. Not counted in ClinVar's aggregate classification.
Comment: This variant is classified as likely benign based on ACMG/AMP sequence variant interpretation guidelines (Richards et al. 2015 PMID: 25741868, with internal and published modifications).